The following is an entry in ClinVar:

ClinVar aggregate classification (germline): Benign. Review status: criteria provided, single submitter (1 of 4 stars). 2 submissions from 2 submitters: Benign (1). 1 of the submissions does not count toward it. Last evaluated 2018-05-31.

Conditions:
UBR4-related disorder. Also called: UBR4-related condition.

Allele frequency attached by ClinVar (database versions not stated): gnomAD exomes 0.00088; ExAC 0.00104; gnomAD 0.00354 and 0.00385; 1000 Genomes Project 0.00399; TOPMed 0.00402; 1000 Genomes Project 30x 0.00422; ESP Exome Variant Server 0.00438.
gnomAD v4.1: 1,040 of 1,614,228 alleles (0.064%); highest among the groups gnomAD compares: African/African-American, 1.3%; 7 homozygotes.

Submissions (2):

Labcorp Genetics (formerly Invitae), Labcorp
Classification: Benign. Last evaluated: 2018-05-31. Review status: criteria provided, single submitter. Criteria: Invitae Variant Classification Sherloc (09022015). Collection method: clinical testing. Allele origin: germline.

PreventionGenetics, part of Exact Sciences
Classification: Benign for UBR4-related condition. Last evaluated: 2019-12-06. Review status: no assertion criteria provided. Collection method: clinical testing. Allele origin: germline. Not counted in ClinVar's aggregate classification.
Comment: This variant is classified as benign based on ACMG/AMP sequence variant interpretation guidelines (Richards et al. 2015 PMID: 25741868, with internal and published modifications).

NM_020765.3(UBR4):c.12831G>C (p.Val4277=)

Gene: UBR4 (ubiquitin protein ligase E3 component n-recognin 4; minus strand). Cytogenetic location: 1p36.13.
Variant type: single nucleotide variant.
Coding change: c.12831G>C on transcript NM_020765.3 (MANE Select); coding-DNA position 12831, G replaced by C.
Protein change: p.Val4277=; no amino-acid change (valine 4277 retained).
Molecular consequence: synonymous variant.
Genome position (GRCh38, 1-based): chr1:19,104,154, C>G on the plus strand (G>C on the coding strand, the complement: UBR4 is on the minus strand). VCF-style: chr1-19104154-C-G. GRCh37 (hg19) VCF-style: chr1-19430648-C-G.
Identifiers: ClinVar variation 712825 (VCV000712825.5), dbSNP rs59840523, ClinGen allele CA648603.
Genomic context (GRCh38, chr1:19,104,154, plus strand): 5'-GTCCTCCAGCATCTCCAGCAGCATGTCCTGCGTCTCATCGATCAGCTTGGTCCTCTGCAC[C>G]ACCAGCTTCCGCAAGCACAGGTATCCATTCAGCACAGTACCCACCAAGCGACTTTTAAAA-3'
Protein context (NP_065816.2, residues 4267-4287): LNGYLCLRKL[Val4277=]VQRTKLIDET